The following is an entry in ClinVar:

NM_015693.4(INTU):c.625G>A (p.Val209Met)

Gene: INTU (inturned planar cell polarity protein; plus strand). Cytogenetic location: 4q28.1.
Variant type: single nucleotide variant.
Coding change: c.625G>A on transcript NM_015693.4 (MANE Select); coding-DNA position 625, G replaced by A.
Protein change: p.Val209Met; replaces valine 209 with methionine.
Molecular consequence: missense variant.
Genome position (GRCh38, 1-based): chr4:127,643,999, G>A. VCF-style: chr4-127643999-G-A. GRCh37 (hg19) VCF-style: chr4-128565154-G-A.
Other names: short protein forms V209M.
Identifiers: ClinVar variation 1986417 (VCV001986417.7), dbSNP rs61744998, ClinGen allele CA3074828.

ClinVar aggregate classification (germline): Uncertain significance. Review status: criteria provided, multiple submitters, no conflicts (2 of 4 stars). 3 submissions from 3 submitters: Uncertain significance (3). Last evaluated 2025-04-21.

Conditions:
Inborn genetic diseases. Identifiers: MedGen C0950123, MeSH D030342.

Allele frequency attached by ClinVar (database versions not stated): gnomAD exomes 0.00002; ExAC 0.00006; ESP Exome Variant Server 0.00023; gnomAD 0.00025; TOPMed 0.00026.
gnomAD v4.1: 66 of 1,614,092 alleles (0.0041%); highest among the groups gnomAD compares: African/African-American, 0.08%; no homozygotes.

Submissions (3):

Labcorp Genetics (formerly Invitae), Labcorp
Classification: Uncertain significance. Last evaluated: 2025-04-21. Review status: criteria provided, single submitter. Criteria: Invitae Variant Classification Sherloc (09022015). Collection method: clinical testing. Allele origin: germline.
Comment: This sequence change replaces valine, which is neutral and non-polar, with methionine, which is neutral and non-polar, at codon 209 of the INTU protein (p.Val209Met). This variant is present in population databases (rs61744998, gnomAD 0.08%), and has an allele count higher than expected for a pathogenic variant. This variant has not been reported in the literature in individuals affected with INTU-related conditions. ClinVar contains an entry for this variant (Variation ID: 1986417). Invitae Evidence Modeling of protein sequence and biophysical properties (such as structural, functional, and spatial information, amino acid conservation, physicochemical variation, residue mobility, and thermodynamic stability) indicates that this missense variant is not expected to disrupt INTU protein function with a negative predictive value of 80%. In summary, the available evidence is currently insufficient to determine the role of this variant in disease. Therefore, it has been classified as a Variant of Uncertain Significance.

Ambry Genetics
Classification: Uncertain significance for Inborn genetic diseases. Last evaluated: 2025-01-27. Review status: criteria provided, single submitter. Criteria: Ambry Variant Classification Scheme 2023. Collection method: clinical testing. Allele origin: germline.

Blueprint Genetics
Classification: Uncertain significance. Last evaluated: 2024-08-06. Review status: criteria provided, single submitter. Criteria: ACMG Guidelines, 2015. Collection method: clinical testing. Allele origin: germline.